The following is an entry in ClinVar:

NM_000059.4(BRCA2):c.4895G>A (p.Ser1632Asn)

Gene: BRCA2 (BRCA2 DNA repair associated; plus strand). Cytogenetic location: 13q13.1.
Variant type: single nucleotide variant.
Coding change: c.4895G>A on transcript NM_000059.4 (MANE Select); coding-DNA position 4895, G replaced by A.
Protein change: p.Ser1632Asn; replaces serine 1632 with asparagine.
Molecular consequence: missense variant.
Genome position (GRCh38, 1-based): chr13:32,339,250, G>A. VCF-style: chr13-32339250-G-A. GRCh37 (hg19) VCF-style: chr13-32913387-G-A.
Other names: c.4895G>A, p.Ser1632Asn (NM_001406719.1, NM_001406720.1); short protein forms S1632N.
Identifiers: ClinVar variation 1743875 (VCV001743875.4), dbSNP rs1593903713, ClinGen allele CA387783539.

ClinVar aggregate classification (germline): Conflicting classifications of pathogenicity. Review status: criteria provided, conflicting classifications (1 of 4 stars). 2 submissions from 2 submitters: Uncertain significance (1); Likely benign (1). Last evaluated 2023-03-23.

Conditions:
Hereditary cancer-predisposing syndrome. Also called: Hereditary Cancer Syndrome; Neoplastic Syndromes, Hereditary; Tumor predisposition; Hereditary neoplastic syndrome. Identifiers: Orphanet 140162, MedGen C0027672, MeSH D009386, MONDO:0015356.

Allele frequency attached by ClinVar (database versions not stated): gnomAD exomes below 0.00001.
gnomAD v4.1: 1 of 1,612,870 alleles (0.000062%); highest among the groups gnomAD compares: Non-Finnish European, 0.000085%; no homozygotes.

Submissions (2):

University of Washington Department of Laboratory Medicine, University of Washington
Classification: Likely benign for Hereditary cancer-predisposing syndrome. Last evaluated: 2023-03-23. Review status: criteria provided, single submitter. Criteria: Dines et al. (Genet Med. 2020). Collection method: curation. Allele origin: germline.
Comment: Missense variant in a coldspot region where missense variants are very unlikely to be pathogenic (PMID:31911673).

BRCA2 exon 11 coldspot. Reclassification based on statistical prior probability.

Ambry Genetics
Classification: Uncertain significance for Hereditary cancer-predisposing syndrome. Last evaluated: 2020-11-09. Review status: criteria provided, single submitter. Criteria: Ambry Variant Classification Scheme 2023. Collection method: clinical testing. Allele origin: germline.
Comment: The p.S1632N variant (also known as c.4895G>A), located in coding exon 10 of the BRCA2 gene, results from a G to A substitution at nucleotide position 4895. The serine at codon 1632 is replaced by asparagine, an amino acid with highly similar properties. This alteration has been reported in a cohort of Korean breast cancer patients (Kim HN et al. Chonnam Med J, 2019 May;55:99-103). This amino acid position is not well conserved in available vertebrate species, and asparagine is the reference amino acid in other vertebrate species. In addition, this alteration is predicted to be tolerated by in silico analysis. Since supporting evidence is limited at this time, the clinical significance of this alteration remains unclear.

Literature cited by the submitters: PubMed 31161121 (cited by Ambry Genetics).